The following is an entry in ClinVar:

ClinVar aggregate classification (germline): Likely pathogenic. Review status: criteria provided, multiple submitters, no conflicts (2 of 4 stars). 4 submissions from 4 submitters: Likely pathogenic (3). 1 of the submissions does not count toward it. Last evaluated 2025-09-30.

Conditions:
Familial thoracic aortic aneurysm and aortic dissection (TAAD). Also called: Thoracic aortic aneurysms and dissections. Identifiers: Orphanet 91387, MedGen C4707243, MONDO:0019625.
Ehlers-Danlos syndrome, type 4 (EDSVASC). Also called: Ehlers-Danlos syndrome vascular type; Ehlers Danlos syndrome, ecchymotic type; Ehlers Danlos syndrome, arterial type; Ehlers Danlos syndrome, Sack-Barabas type; Ehlers-Danlos Syndrome Type IV. Identifiers: Orphanet 286, MedGen C0268338, MONDO:0017314, OMIM 130050.

Submissions (4):

Color Diagnostics, LLC DBA Color Health
Classification: Likely pathogenic for Familial thoracic aortic aneurysm and aortic dissection. Last evaluated: 2025-09-30. Review status: criteria provided, single submitter. Criteria: ACMG Guidelines, 2015. Collection method: clinical testing. Allele origin: germline.
Comment: This missense variant replaces glycine with arginine at codon 411 of the COL3A1 protein. This variant changes one of the conserved glycine residues within the Gly-Xaa-Yaa repeat motifs of the triple helical domain of the COL3A1 protein. Conserved glycine residues within the Gly-Xaa-Yaa repeats are required for the structural stability of fibrillar collagens (PMID: 7695699, 8218237, 19344236), and missense variants occurring at these glycine residues have been associated with disease (PMID: 24922459, 25758994). Computational prediction suggests that this variant may have deleterious impact on protein structure and function. To our knowledge, functional studies have not been reported for this variant. This variant has been reported in an individuals affected with vascular Ehlers-Danlos syndrome (PMID: 24922459). This variant has not been identified in the general population by the Genome Aggregation Database (gnomAD). Based on the available evidence, this variant is classified as Likely Pathogenic.

Ambry Genetics
Classification: Likely pathogenic for Familial thoracic aortic aneurysm and aortic dissection. Last evaluated: 2025-05-27. Review status: criteria provided, single submitter. Criteria: Ambry Variant Classification Scheme 2023. Collection method: clinical testing. Allele origin: germline.
Comment: The p.G411R variant (also known as c.1231G>C), located in coding exon 18 of the COL3A1 gene, results from a G to C substitution at nucleotide position 1231. The glycine at codon 411 is replaced by arginine, an amino acid with dissimilar properties. The majority (approximately two-thirds) of COL3A1 mutations identified to date have involved the substitution of another amino acid for glycine within the triple-helical domain (Pepin MG et al. Genet Med, 2014 Dec;16:881-8; Frank M et al. Eur J Hum Genet. 2015;23(12):1657-64). This particular glycine substitution has been reported in an individual with a type B aortic dissection and a diagnosis of vascular Ehlers-Danlos syndrome (vEDS) (Pepin MG et al. Genet Med, 2014 Dec;16:881-8; Shalhub S et al. J Vasc Surg, 2019 11;70:1543-1554). Internal structural analysis indicates that this alteration disrupts the characteristic G-X-Y motif in the COL3A1 protein and inserts a bulky side chain into a sterically-constrained region (Bella J et al. Science. 1994;266:75-81; Hohenester E et al. Proc. Natl. Acad. Sci. U.S.A. 2008;105:18273-7; Ambry internal data). This amino acid position is highly conserved in available vertebrate species. In addition, this alteration is predicted to be deleterious by in silico analysis. This variant is considered to be rare based on population cohorts in the Genome Aggregation Database (gnomAD). Based on the majority of available evidence to date, this variant is likely to be pathogenic.

Labcorp Genetics (formerly Invitae), Labcorp
Classification: Likely pathogenic for Ehlers-Danlos syndrome, type 4. Last evaluated: 2019-02-08. Review status: criteria provided, single submitter. Criteria: Invitae Variant Classification Sherloc (09022015). Collection method: clinical testing. Allele origin: germline.
Comment: Glycine residues within the Gly-Xaa-Yaa repeats of the triple helix domain are required for the structure and stability of fibrillar collagens (PMID: 7695699, 8218237, 19344236). In COL3A1, variants that affect these glycine residues are significantly enriched in individuals with disease (PMID: 24922459, 25758994) compared to the general population (ExAC). In summary, the currently available evidence indicates that the variant is pathogenic, but additional data are needed to prove that conclusively. Therefore, this variant has been classified as Likely Pathogenic. This variant has been observed in an individual affected with Ehlers-Danlos syndrome, vascular type (PMID: 24922459). ClinVar contains an entry for this variant (Variation ID: 101237). This variant is not present in population databases (ExAC no frequency). This sequence change replaces glycine with arginine at codon 411 of the COL3A1 protein (p.Gly411Arg). The glycine residue is highly conserved and there is a moderate physicochemical difference between glycine and arginine.

Collagen Diagnostic Laboratory, University of Washington
Classification: Pathogenic for Ehlers-Danlos syndrome, type 4. Review status: no assertion criteria provided. Collection method: clinical testing. Allele origin: germline. Affected: yes. Not counted in ClinVar's aggregate classification.

Literature cited by the submitters: PubMed 7695699 (cited by Color Diagnostics, LLC DBA Color Health and Labcorp Genetics (formerly Invitae), Labcorp); PubMed 8218237 (cited by Color Diagnostics, LLC DBA Color Health and Labcorp Genetics (formerly Invitae), Labcorp); PubMed 19344236 (cited by Color Diagnostics, LLC DBA Color Health and Labcorp Genetics (formerly Invitae), Labcorp); PubMed 24922459 (cited by 3 submitters); PubMed 25758994 (cited by Color Diagnostics, LLC DBA Color Health and Labcorp Genetics (formerly Invitae), Labcorp); PubMed 31126764 (cited by Ambry Genetics).

NM_000090.4(COL3A1):c.1231G>C (p.Gly411Arg)

Gene: COL3A1 (collagen type III alpha 1 chain; plus strand). Cytogenetic location: 2q32.2.
Variant type: single nucleotide variant.
Coding change: c.1231G>C on transcript NM_000090.4 (MANE Select); coding-DNA position 1231, G replaced by C.
Protein change: p.Gly411Arg; replaces glycine 411 with arginine.
Molecular consequence: missense variant.
Genome position (GRCh38, 1-based): chr2:188,994,270, G>C. VCF-style: chr2-188994270-G-C. GRCh37 (hg19) VCF-style: chr2-189858996-G-C.
Identifiers: ClinVar variation 101237 (VCV000101237.15), dbSNP rs587779534, ClinGen allele CA004145.